The following is an entry in ClinVar:

NM_033305.3(VPS13A):c.4058_4059insTTGT (p.Lys1353fs)

Gene: VPS13A (vacuolar protein sorting 13 homolog A; plus strand). Cytogenetic location: 9q21.2.
Variant type: Insertion.
Coding change: c.4058_4059insTTGT on transcript NM_033305.3 (MANE Select); coding-DNA positions 4058 to 4059, TTGT inserted.
Protein change: p.Lys1353fs; shifts the reading frame from lysine 1353.
Molecular consequence: frameshift variant.
Genome position: GRCh38 VCF-style: chr9-77308042-A-ATTGT. GRCh37 (hg19) VCF-style: chr9-79922958-A-ATTGT.
Other names: c.3941_3942insTTGT, p.Lys1314fs (NM_001018037.2); c.4058_4059insTTGT, p.Lys1353fs (NM_001018038.3, NM_015186.4); short protein forms K1314fs, K1353fs.
Identifiers: ClinVar variation 5015397 (VCV005015397.1).

ClinVar aggregate classification (germline): Pathogenic (1 of 4 stars; one submission).

Conditions:
VPS13A-related neurodegenerative disease. Also called: ACANTHOCYTOSIS WITH NEUROLOGIC DISORDER; LEVINE-CRITCHLEY SYNDROME; Choreoacanthocytosis; Chorea-acanthocytosis; Choreaacanthocytosis; VPS13A Disease. Identifiers: Orphanet 2388, MedGen C0393576, MONDO:0008695, OMIM 200150.

Submission:

Myriad Genetics, Inc.
Classification: Pathogenic for VPS13A-related neurodegenerative disease. Last evaluated: 2026-01-06. Review status: criteria provided, single submitter. Criteria: Myriad Autosomal Dominant, Autosomal Recessive and X-Linked Classification Criteria (2023). Collection method: clinical testing. Allele origin: unknown.
Comment: NM_033305.2(VPS13A):c.4058_4059insTTGT(K1353Nfs*9) is expected to be pathogenic in the context of VPS13A disease. This variant is predicted to lead to an abnormal or absent protein product due to the creation of a premature termination codon in VPS13A, a gene where loss-of-function variants are known to be pathogenic. Please note: this variant was assessed in the context of healthy population screening.